The following is an entry in ClinVar:

ClinVar aggregate classification (germline): Uncertain significance. Review status: criteria provided, multiple submitters, no conflicts (2 of 4 stars). 6 submissions from 6 submitters: Uncertain significance (6). Last evaluated 2025-12-06.

Conditions:
Hereditary cancer-predisposing syndrome. Also called: Hereditary Cancer Syndrome; Neoplastic Syndromes, Hereditary; Hereditary neoplastic syndrome; Tumor predisposition. Identifiers: Orphanet 140162, MedGen C0027672, MeSH D009386, MONDO:0015356.
Familial adenomatous polyposis 1 (FAP1). Also called: FAMILIAL ADENOMATOUS POLYPOSIS 1, ATTENUATED; POLYPOSIS, ADENOMATOUS INTESTINAL. Identifiers: MedGen C2713442, MONDO:0021056, OMIM 175100. Disease mechanism: loss of function.
Classic or attenuated familial adenomatous polyposis. Identifiers: MedGen CN372698, MONDO:0021057.

Allele frequency attached by ClinVar (database versions not stated): gnomAD 0.00001.
gnomAD v4.1: 1 of 1,611,618 alleles (0.000062%); highest among the groups gnomAD compares: East Asian, 0.0022%; no homozygotes.

Submissions (6):

Labcorp Genetics (formerly Invitae), Labcorp
Classification: Uncertain significance for Familial adenomatous polyposis 1. Last evaluated: 2025-12-06. Review status: criteria provided, single submitter. Criteria: Invitae Variant Classification Sherloc (09022015). Collection method: clinical testing. Allele origin: germline.
Comment: This sequence change replaces aspartic acid, which is acidic and polar, with asparagine, which is neutral and polar, at codon 209 of the APC protein (p.Asp209Asn). This variant is not present in population databases (gnomAD no frequency). This variant has not been reported in the literature in individuals affected with APC-related conditions. ClinVar contains an entry for this variant (Variation ID: 428184). Invitae Evidence Modeling of protein sequence and biophysical properties (such as structural, functional, and spatial information, amino acid conservation, physicochemical variation, residue mobility, and thermodynamic stability) indicates that this missense variant is not expected to disrupt APC protein function with a negative predictive value of 95%. In summary, the available evidence is currently insufficient to determine the role of this variant in disease. Therefore, it has been classified as a Variant of Uncertain Significance.

Ambry Genetics
Classification: Uncertain significance for Hereditary cancer-predisposing syndrome. Last evaluated: 2025-02-21. Review status: criteria provided, single submitter. Criteria: Ambry Variant Classification Scheme 2023. Collection method: clinical testing. Allele origin: germline.
Comment: The p.D209N variant (also known as c.625G>A), located in coding exon 5 of the APC gene, results from a G to A substitution at nucleotide position 625. The aspartic acid at codon 209 is replaced by asparagine, an amino acid with highly similar properties. This amino acid position is well conserved in available vertebrate species. In addition, in silico predictors for this gene do not accurately predict pathogenicity. Missense alterations in APC are not a common cause of disease (Spier I et al. Genet Med. 2024 Feb;26(2):100992). Based on the available evidence, the clinical significance of this variant remains unclear.

Color Diagnostics, LLC DBA Color Health
Classification: Uncertain significance for Hereditary cancer-predisposing syndrome. Last evaluated: 2025-02-10. Review status: criteria provided, single submitter. Criteria: ACMG Guidelines, 2015. Collection method: clinical testing. Allele origin: germline.
Comment: This missense variant replaces aspartic acid with asparagine at codon 209 of the APC protein. Computational prediction is inconclusive regarding the impact of this variant on protein structure and function (internally defined REVEL score threshold 0.5 < inconclusive < 0.7, PMID: 27666373). To our knowledge, functional studies have not been reported for this variant. This variant has not been reported in individuals affected with APC-related disorders in the literature. This variant has not been identified in the general population by the Genome Aggregation Database (gnomAD). The available evidence is insufficient to determine the role of this variant in disease conclusively. Therefore, this variant is classified as a Variant of Uncertain Significance.

All of Us Research Program, National Institutes of Health
Classification: Uncertain significance for Classic or attenuated familial adenomatous polyposis. Last evaluated: 2024-03-28. Review status: criteria provided, single submitter. Criteria: ACMG Guidelines, 2015. Collection method: clinical testing. Allele origin: germline. Inheritance: Autosomal dominant inheritance. Observed: 1 variant allele, 1 heterozygote.
Comment: This study involves interpretation of variants in research participants for the purpose of population health screening. Participant phenotype was not available at the time of variant classification. Additional details can be found in publication PMID: 35346344, PMCID: PMC8962531

Baylor Genetics
Classification: Uncertain significance for Familial adenomatous polyposis 1. Last evaluated: 2023-10-05. Review status: criteria provided, single submitter. Criteria: ACMG Guidelines, 2015. Collection method: clinical testing. Allele origin: unknown.

Quest Diagnostics Nichols Institute San Juan Capistrano
Classification: Uncertain significance. Last evaluated: 2020-03-16. Review status: criteria provided, single submitter. Criteria: Quest Diagnostics criteria. Collection method: clinical testing. Allele origin: unknown.

NM_000038.6(APC):c.625G>A (p.Asp209Asn)

Gene: APC (APC regulator of Wnt signaling pathway; plus strand). Cytogenetic location: 5q22.2.
Variant type: single nucleotide variant.
Coding change: c.625G>A on transcript NM_000038.6 (MANE Select); coding-DNA position 625, G replaced by A.
Protein change: p.Asp209Asn; replaces aspartic acid 209 with asparagine.
Molecular consequence: missense variant. On other transcripts: 5 prime UTR variant (1).
Genome position (GRCh38, 1-based): chr5:112,780,883, G>A. VCF-style: chr5-112780883-G-A. GRCh37 (hg19) VCF-style: chr5-112116580-G-A.
Other names: c.625G>A, p.Asp209Asn (NM_001127510.3, NM_001354895.2, NM_001354896.2 and 2 more transcripts); c.655G>A, p.Asp219Asn (NM_001127511.3, NM_001354897.2, NM_001354902.2); c.550G>A, p.Asp184Asn (NM_001354898.2, NM_001354904.2); c.448G>A, p.Asp150Asn (NM_001354900.2, NM_001354901.2, NM_001354905.2); c.-411G>A (NM_001354906.2); short protein forms D209N, D219N, D150N, D184N.
Identifiers: ClinVar variation 428184 (VCV000428184.18), dbSNP rs1114167615, ClinGen allele CA16022704.